The following is an entry in ClinVar:

ClinVar aggregate classification (germline): Uncertain significance (1 of 4 stars; one submission).

Conditions:
Inborn genetic diseases. Identifiers: MedGen C0950123, MeSH D030342.

gnomAD v4.1: 14 of 1,614,042 alleles (0.00087%); highest among the groups gnomAD compares: Non-Finnish European, 0.0012%; no homozygotes.

Submission:

Ambry Genetics
Classification: Uncertain significance for Inborn genetic diseases. Last evaluated: 2025-10-26. Review status: criteria provided, single submitter. Criteria: Ambry Variant Classification Scheme 2023. Collection method: clinical testing. Allele origin: germline.
Comment: The p.P1424S variant (also known as c.4270C>T), located in coding exon 13 of the ASXL1 gene, results from a C to T substitution at nucleotide position 4270. The proline at codon 1424 is replaced by serine, an amino acid with similar properties. This amino acid position is conserved. In addition, this alteration is predicted to be tolerated by in silico analysis. Based on the available evidence, the clinical significance of this variant remains unclear.

NM_015338.6(ASXL1):c.4270C>T (p.Pro1424Ser)

Gene: ASXL1 (ASXL transcriptional regulator 1; plus strand). Cytogenetic location: 20q11.21.
Variant type: single nucleotide variant.
Coding change: c.4270C>T on transcript NM_015338.6 (MANE Select); coding-DNA position 4270, C replaced by T.
Protein change: p.Pro1424Ser; replaces proline 1424 with serine.
Molecular consequence: missense variant.
Genome position (GRCh38, 1-based): chr20:32,436,982, C>T. VCF-style: chr20-32436982-C-T. GRCh37 (hg19) VCF-style: chr20-31024785-C-T.
Other names: c.4087C>T, p.Pro1363Ser (NM_001363734.1); short protein forms P1363S, P1424S.
Identifiers: ClinVar variation 4588162 (VCV004588162.1).
Genomic context (GRCh38, chr20:32,436,982, plus strand): 5'-TTTGTCATGGACTTGCCCTTCTGGAAATTACCCCGAGAGCCAGGGAAGGGGCTCAGTGAG[C>T]CTCTGGAGCCTTCTTCTCTCCCCTCCCAACTCAGCATCAAGCAGGCATTTTATGGGAAGC-3'
Protein context (NP_056153.2, residues 1414-1434): PREPGKGLSE[Pro1424Ser]LEPSSLPSQL